The following is an entry in ClinVar:

NM_017882.3(CLN6):c.925A>G (p.Ser309Gly)

Gene: CLN6 (CLN6 transmembrane ER protein; minus strand). Cytogenetic location: 15q23.
Variant type: single nucleotide variant.
Coding change: c.925A>G on transcript NM_017882.3 (MANE Select); coding-DNA position 925, A replaced by G.
Protein change: p.Ser309Gly; replaces serine 309 with glycine.
Molecular consequence: missense variant.
Genome position (GRCh38, 1-based): chr15:68,208,151, T>C on the plus strand (A>G on the coding strand, the complement: CLN6 is on the minus strand). VCF-style: chr15-68208151-T-C. GRCh37 (hg19) VCF-style: chr15-68500489-T-C.
Other names: short protein forms S309G.
Identifiers: ClinVar variation 950194 (VCV000950194.4), dbSNP rs762916725, ClinGen allele CA7630440.

ClinVar aggregate classification (germline): Uncertain significance (1 of 4 stars; one submission).

Conditions:
Neuronal ceroid lipofuscinosis. Also called: Neuronal Ceroid Lipofuscinoses. Identifiers: Orphanet 216, Orphanet 79263, MedGen C0027877, MONDO:0016295. Disease mechanism: loss of function.

gnomAD v4.1: 2 of 1,368,704 alleles (0.00015%); highest among the groups gnomAD compares: Non-Finnish European, 0.00019%; no homozygotes.

Submission:

Labcorp Genetics (formerly Invitae), Labcorp
Classification: Uncertain significance for Neuronal ceroid lipofuscinosis. Last evaluated: 2022-08-23. Review status: criteria provided, single submitter. Criteria: Invitae Variant Classification Sherloc (09022015). Collection method: clinical testing. Allele origin: germline.
Comment: This sequence change replaces serine, which is neutral and polar, with glycine, which is neutral and non-polar, at codon 309 of the CLN6 protein (p.Ser309Gly). This variant is present in population databases (rs762916725, gnomAD 0.006%). This variant has not been reported in the literature in individuals affected with CLN6-related conditions. ClinVar contains an entry for this variant (Variation ID: 950194). Algorithms developed to predict the effect of missense changes on protein structure and function output the following: SIFT: "Tolerated"; PolyPhen-2: "Benign"; Align-GVGD: "Class C0". The glycine amino acid residue is found in multiple mammalian species, which suggests that this missense change does not adversely affect protein function. In summary, the available evidence is currently insufficient to determine the role of this variant in disease. Therefore, it has been classified as a Variant of Uncertain Significance.